The following is an entry in ClinVar:

NM_000214.3(JAG1):c.2344A>G (p.Asn782Asp)

Gene: JAG1 (jagged canonical Notch ligand 1; minus strand). Cytogenetic location: 20p12.2.
Variant type: single nucleotide variant.
Coding change: c.2344A>G on transcript NM_000214.3 (MANE Select); coding-DNA position 2344, A replaced by G.
Protein change: p.Asn782Asp; replaces asparagine 782 with aspartic acid.
Molecular consequence: missense variant.
Genome position (GRCh38, 1-based): chr20:10,644,863, T>C on the plus strand (A>G on the coding strand, the complement: JAG1 is on the minus strand). VCF-style: chr20-10644863-T-C. GRCh37 (hg19) VCF-style: chr20-10625511-T-C.
Other names: short protein forms N782D.
Identifiers: ClinVar variation 2713326 (VCV002713326.5), dbSNP rs1197697440, ClinGen allele CA408234835.

ClinVar aggregate classification (germline): Uncertain significance. Review status: criteria provided, multiple submitters, no conflicts (2 of 4 stars). 3 submissions from 3 submitters: Uncertain significance (2). 1 of the submissions does not count toward it. Last evaluated 2024-03-07.

Conditions:
Retinal dystrophy. Also called: Inherited retinal dystrophy. Identifiers: Orphanet 71862, MedGen C0854723, MeSH D058499, MONDO:0019118, HP:0000556.
Alagille syndrome due to a JAG1 point mutation. Also called: Alagille Syndrome 1; JAG1-Related Alagille Syndrome; HEPATIC DUCTULAR HYPOPLASIA, SYNDROMATIC. Identifiers: Orphanet 261619, Orphanet 52, MedGen C1956125, MONDO:0016862, OMIM 118450.
Deafness, congenital heart defects, and posterior embryotoxon (DCHE). Identifiers: MedGen C1866053, MONDO:0060713, OMIM 617992.
Charcot-Marie-Tooth disease, axonal, Type 2HH. Also called: CHARCOT-MARIE-TOOTH NEUROPATHY, TYPE 2HH. Identifiers: MedGen C5562003, MONDO:0030458, OMIM 619574.
Tetralogy of Fallot (TOF). Identifiers: Orphanet 3303, MedGen C0039685, MONDO:0008542, OMIM 187500, HP:0001636.

Allele frequency attached by ClinVar (database versions not stated): gnomAD 0.00001; TOPMed 0.00001.

Submissions (3):

Fulgent Genetics
Classification: Uncertain significance for Alagille syndrome due to a JAG1 point mutation; Tetralogy of Fallot; Deafness, congenital heart defects, and posterior embryotoxon; Charcot-Marie-Tooth disease, axonal, Type 2HH. Last evaluated: 2024-03-07. Review status: criteria provided, single submitter. Criteria: ACMG Guidelines, 2015. Collection method: clinical testing. Allele origin: germline.

Labcorp Genetics (formerly Invitae), Labcorp
Classification: Uncertain significance for Alagille syndrome due to a JAG1 point mutation. Last evaluated: 2023-05-19. Review status: criteria provided, single submitter. Criteria: Invitae Variant Classification Sherloc (09022015). Collection method: clinical testing. Allele origin: germline.
Comment: Algorithms developed to predict the effect of sequence changes on RNA splicing suggest that this variant may create or strengthen a splice site. In summary, the available evidence is currently insufficient to determine the role of this variant in disease. Therefore, it has been classified as a Variant of Uncertain Significance. An algorithm developed to predict the effect of missense changes on protein structure and function (PolyPhen-2) suggests that this variant is likely to be disruptive. This variant has not been reported in the literature in individuals affected with JAG1-related conditions. This variant is not present in population databases (gnomAD no frequency). This sequence change replaces asparagine, which is neutral and polar, with aspartic acid, which is acidic and polar, at codon 782 of the JAG1 protein (p.Asn782Asp).

Institute of Human Genetics, Univ. Regensburg, Univ. Regensburg
Classification: Uncertain significance for Retinal dystrophy. Last evaluated: 2023-01-01. Review status: no assertion criteria provided. Criteria: ACMG Guidelines, 2015. Collection method: clinical testing. Allele origin: germline. Affected: yes. Not counted in ClinVar's aggregate classification.